The following is an entry in ClinVar:

NM_018489.3(ASH1L):c.3961C>T (p.Arg1321Ter)

Gene: ASH1L (ASH1 like histone lysine methyltransferase; minus strand). Cytogenetic location: 1q22.
Variant type: single nucleotide variant.
Coding change: c.3961C>T on transcript NM_018489.3 (MANE Select); coding-DNA position 3961, C replaced by T.
Protein change: p.Arg1321Ter; replaces arginine 1321 with a stop codon.
Molecular consequence: nonsense.
Genome position (GRCh38, 1-based): chr1:155,478,909, G>A on the plus strand (C>T on the coding strand, the complement: ASH1L is on the minus strand). VCF-style: chr1-155478909-G-A. GRCh37 (hg19) VCF-style: chr1-155448700-G-A.
Other names: c.3961C>T, p.Arg1321Ter (NM_001366177.2); short protein forms R1321*.
Identifiers: ClinVar variation 4881999 (VCV004881999.2).

ClinVar aggregate classification (germline): Likely pathogenic (1 of 4 stars; one submission).

Conditions:
Intellectual developmental disorder, autosomal dominant 52. Also called: Intellectual disability, autosomal dominant 52; Mental retardation, autosomal dominant 52. Identifiers: MedGen C4540478, MONDO:0030918, OMIM 617796.

Submission:

Dasa
Classification: Likely pathogenic for Intellectual developmental disorder, autosomal dominant 52. Last evaluated: 2026-02-07. Review status: criteria provided, single submitter. Criteria: DASA Assertion Criteria. Collection method: clinical testing. Allele origin: germline.
Comment: NM_018489.3(ASH1L):c.3961C>T (p.Arg1321*) is a nonsense variant in ASH1L predicted to introduce a premature termination codon and is predicted to result in an absent or altered protein product. Loss of function is an established disease mechanism for ASH1L (PMID: 28191889; PMID: 25363760; PMID: 28263302). Also, this variant is absent from population databases. Based on the currently available evidence, this variant is classified as likely pathogenic.

Literature cited by the submitters: PubMed 28191889; PubMed 25363760; PubMed 28263302.